The following is an entry in ClinVar:

ClinVar aggregate classification (germline): Uncertain significance. Review status: criteria provided, multiple submitters, no conflicts (2 of 4 stars). 4 submissions from 4 submitters: Uncertain significance (3). 1 of the submissions does not count toward it. Last evaluated 2024-12-16.

Conditions:
Retinitis pigmentosa 66 (RP66). Identifiers: Orphanet 791, MedGen C3715216, MONDO:0014093, OMIM 615233.
Retinitis pigmentosa (RP). Identifiers: Orphanet 791, MedGen C0035334, MeSH D012174, MONDO:0019200, OMIM 268000. Inheritance: Autosomal dominant, autosomal recessive and X linked inheritance.

Allele frequency attached by ClinVar (database versions not stated): gnomAD 0.00003; gnomAD exomes 0.00003 and 0.00005; TOPMed 0.00003; ExAC 0.00006; ESP Exome Variant Server 0.00008; 1000 Genomes Project 0.00020; 1000 Genomes Project 30x 0.00031.
gnomAD v4.1: 47 of 1,612,508 alleles (0.0029%); highest among the groups gnomAD compares: Middle Eastern, 0.033%; no homozygotes.

Submissions (4):

Labcorp Genetics (formerly Invitae), Labcorp
Classification: Uncertain significance. Last evaluated: 2024-12-16. Review status: criteria provided, single submitter. Criteria: Invitae Variant Classification Sherloc (09022015). Collection method: clinical testing. Allele origin: germline.
Comment: This sequence change replaces threonine, which is neutral and polar, with isoleucine, which is neutral and non-polar, at codon 321 of the RBP3 protein (p.Thr321Ile). This variant is present in population databases (rs376854254, gnomAD 0.01%). This variant has not been reported in the literature in individuals affected with RBP3-related conditions. ClinVar contains an entry for this variant (Variation ID: 208299). Invitae Evidence Modeling of protein sequence and biophysical properties (such as structural, functional, and spatial information, amino acid conservation, physicochemical variation, residue mobility, and thermodynamic stability) indicates that this missense variant is not expected to disrupt RBP3 protein function with a negative predictive value of 80%. In summary, the available evidence is currently insufficient to determine the role of this variant in disease. Therefore, it has been classified as a Variant of Uncertain Significance.

Blueprint Genetics
Classification: Uncertain significance. Last evaluated: 2024-11-27. Review status: criteria provided, single submitter. Criteria: ACMG Guidelines, 2015. Collection method: clinical testing. Allele origin: germline.

Illumina Laboratory Services, Illumina
Classification: Uncertain significance for Retinitis pigmentosa. Last evaluated: 2018-01-13. Review status: criteria provided, single submitter. Criteria: ICSL Variant Classification Criteria 13 December 2019. Collection method: clinical testing. Allele origin: germline.

ClinVar Staff, National Center for Biotechnology Information (NCBI)
Classification: Uncertain significance for Retinitis pigmentosa 66. Last evaluated: 2013-06-27. Review status: no assertion criteria provided. Collection method: literature only. Allele origin: germline. Affected: yes. Not counted in ClinVar's aggregate classification.

Literature cited by the submitters: PubMed 19074801 (cited by ClinVar Staff, National Center for Biotechnology Information (NCBI)).

NM_002900.3(RBP3):c.962C>T (p.Thr321Ile)

Gene: RBP3 (retinol binding protein 3; plus strand). Cytogenetic location: 10q11.22.
Variant type: single nucleotide variant.
Coding change: c.962C>T on transcript NM_002900.3 (MANE Select); coding-DNA position 962, C replaced by T.
Protein change: p.Thr321Ile; replaces threonine 321 with isoleucine.
Molecular consequence: missense variant.
Genome position (GRCh38, 1-based): chr10:47,349,446, C>T. VCF-style: chr10-47349446-C-T. GRCh37 (hg19) VCF-style: chr10-48389916-G-A.
Other names: short protein forms T321I.
Identifiers: ClinVar variation 208299 (VCV000208299.13), dbSNP rs376854254, ClinGen allele CA350880.